The following is an entry in ClinVar:

ClinVar aggregate classification (germline): Uncertain significance (1 of 4 stars; one submission).

Conditions:
Sulfite oxidase deficiency due to molybdenum cofactor deficiency type A. Also called: Molybdenum Cofactor Deficiency A; Molybdenum cofactor deficiency, complementation group A. Identifiers: Orphanet 308386, Orphanet 833, MedGen C1854988, MONDO:0009643, OMIM 252150.

Allele frequency attached by ClinVar (database versions not stated): gnomAD exomes 0.00001; gnomAD 0.00002 and 0.00003; TOPMed 0.00002.
gnomAD v4.1: 92 of 1,548,726 alleles (0.0059%); highest among the groups gnomAD compares: Non-Finnish European, 0.0076%; no homozygotes.

Submission:

Labcorp Genetics (formerly Invitae), Labcorp
Classification: Uncertain significance for Sulfite oxidase deficiency due to molybdenum cofactor deficiency type A. Last evaluated: 2022-02-05. Review status: criteria provided, single submitter. Criteria: Invitae Variant Classification Sherloc (09022015). Collection method: clinical testing. Allele origin: germline.
Comment: This sequence change replaces glutamic acid, which is acidic and polar, with glutamine, which is neutral and polar, at codon 34 of the MOCS1 protein (p.Glu34Gln). This variant is present in population databases (no rsID available, gnomAD 0.004%). This variant has not been reported in the literature in individuals affected with MOCS1-related conditions. Algorithms developed to predict the effect of missense changes on protein structure and function are either unavailable or do not agree on the potential impact of this missense change (SIFT: "Tolerated"; PolyPhen-2: "Possibly Damaging"; Align-GVGD: "Class C0"). In summary, the available evidence is currently insufficient to determine the role of this variant in disease. Therefore, it has been classified as a Variant of Uncertain Significance.

NM_001358530.2(MOCS1):c.100G>C (p.Glu34Gln)

Gene: MOCS1 (molybdenum cofactor synthesis 1; minus strand). Cytogenetic location: 6p21.2.
Variant type: single nucleotide variant.
Coding change: c.100G>C on transcript NM_001358530.2 (MANE Select); coding-DNA position 100, G replaced by C.
Protein change: p.Glu34Gln; replaces glutamic acid 34 with glutamine.
Molecular consequence: missense variant. On other transcripts: 5 prime UTR variant (2), non-coding transcript variant (1).
Genome position (GRCh38, 1-based): chr6:39,934,318, C>G on the plus strand (G>C on the coding strand, the complement: MOCS1 is on the minus strand). VCF-style: chr6-39934318-C-G. GRCh37 (hg19) VCF-style: chr6-39902057-C-G.
Other names: c.100G>C, p.Glu34Gln (NM_001075098.4, NM_001358529.2); c.-35G>C (NM_001358531.2, NM_001358533.2); short protein forms E34Q.
Identifiers: ClinVar variation 1421679 (VCV001421679.5), dbSNP rs1444302015, ClinGen allele CA364030456.